The following is an entry in ClinVar:

NM_012330.4(KAT6B):c.2555A>G (p.Lys852Arg)

Gene: KAT6B (lysine acetyltransferase 6B; plus strand). Cytogenetic location: 10q22.2.
Variant type: single nucleotide variant.
Coding change: c.2555A>G on transcript NM_012330.4 (MANE Select); coding-DNA position 2555, A replaced by G.
Protein change: p.Lys852Arg; replaces lysine 852 with arginine.
Molecular consequence: missense variant.
Genome position (GRCh38, 1-based): chr10:74,989,038, A>G. VCF-style: chr10-74989038-A-G. GRCh37 (hg19) VCF-style: chr10-76748796-A-G.
Other names: c.2006A>G, p.Lys669Arg (NM_001256468.2, NM_001370138.1); c.1679A>G, p.Lys560Arg (NM_001256469.2, NM_001370139.1, NM_001370140.1 and 2 more transcripts); c.1517A>G, p.Lys506Arg (NM_001370132.1); c.866A>G, p.Lys289Arg (NM_001370133.1); c.470A>G, p.Lys157Arg (NM_001370134.1); c.212A>G, p.Lys71Arg (NM_001370135.1); c.2555A>G, p.Lys852Arg (NM_001370136.1, NM_001370137.1); c.1490A>G, p.Lys497Arg (NM_001370143.1, NM_001370144.1); short protein forms K497R, K71R, K852R, K506R, K157R, K289R, K560R, K669R.
Identifiers: ClinVar variation 2095320 (VCV002095320.4), dbSNP rs2549027881, ClinGen allele CA377294558.
Genomic context (GRCh38, chr10:74,989,038, plus strand): 5'-GCAGGGCTCTGACATACTTGATCTGTTTCTCCTTCCCTCAGGAAAAGCTTTGCCAGCAGA[A>G]GTATAATGTCTCCTGCATAATGATCATGCCCCAGCACCAAAGGCAAGGATTTGGACGGTT-3'
Protein context (NP_036462.2, residues 842-862): YFSKEKLCQQ[Lys852Arg]YNVSCIMIMP

ClinVar aggregate classification (germline): Uncertain significance (1 of 4 stars; one submission).

Conditions:
Genitopatellar syndrome (GTPTS). Also called: ABSENT PATELLAE, SCROTAL HYPOPLASIA, RENAL ANOMALIES, FACIAL DYSMORPHISM, AND MENTAL RETARDATION; Genitopatellar syndrome (GPS). Identifiers: Orphanet 85201, MedGen C1853566, MONDO:0011640, OMIM 606170.

Submission:

Labcorp Genetics (formerly Invitae), Labcorp
Classification: Uncertain significance for Genitopatellar syndrome. Last evaluated: 2022-02-09. Review status: criteria provided, single submitter. Criteria: Invitae Variant Classification Sherloc (09022015). Collection method: clinical testing. Allele origin: germline.
Comment: This sequence change replaces lysine, which is basic and polar, with arginine, which is basic and polar, at codon 852 of the KAT6B protein (p.Lys852Arg). This variant is not present in population databases (gnomAD no frequency). This variant has not been reported in the literature in individuals affected with KAT6B-related conditions. Algorithms developed to predict the effect of missense changes on protein structure and function are either unavailable or do not agree on the potential impact of this missense change (SIFT: "Deleterious"; PolyPhen-2: "Benign"; Align-GVGD: "Class C0"). In summary, the available evidence is currently insufficient to determine the role of this variant in disease. Therefore, it has been classified as a Variant of Uncertain Significance.